The following is an entry in ClinVar:

NM_000179.3(MSH6):c.544G>A (p.Ala182Thr)

Gene: MSH6 (mutS homolog 6; plus strand). Cytogenetic location: 2p16.3.
Variant type: single nucleotide variant.
Coding change: c.544G>A on transcript NM_000179.3 (MANE Select); coding-DNA position 544, G replaced by A.
Protein change: p.Ala182Thr; replaces alanine 182 with threonine.
Molecular consequence: missense variant. On other transcripts: 5 prime UTR variant (1), intron variant (2).
Genome position (GRCh38, 1-based): chr2:47,795,980, G>A. VCF-style: chr2-47795980-G-A. GRCh37 (hg19) VCF-style: chr2-48023119-G-A.
Other names: c.-359G>A (NM_001281494.2); c.-279-2631G>A (NM_001281493.2); c.238-2631G>A (NM_001281492.2); short protein forms A182T.
Identifiers: ClinVar variation 934876 (VCV000934876.11), dbSNP rs1441208044, ClinGen allele CA346738731.

ClinVar aggregate classification (germline): Uncertain significance. Review status: criteria provided, multiple submitters, no conflicts (2 of 4 stars). 2 submissions from 2 submitters: Uncertain significance (2). Last evaluated 2025-10-22.

Conditions:
Hereditary nonpolyposis colorectal neoplasms. Identifiers: MedGen C0009405, MeSH D003123.
Hereditary cancer-predisposing syndrome. Also called: Neoplastic Syndromes, Hereditary; Hereditary Cancer Syndrome; Hereditary neoplastic syndrome; Tumor predisposition. Identifiers: Orphanet 140162, MedGen C0027672, MeSH D009386, MONDO:0015356.

Allele frequency attached by ClinVar (database versions not stated): gnomAD exomes below 0.00001; TOPMed below 0.00001; gnomAD 0.00001.
gnomAD v4.1: 2 of 1,614,016 alleles (0.00012%); highest among the groups gnomAD compares: African/African-American, 0.0027%; no homozygotes.

Submissions (2):

Ambry Genetics
Classification: Uncertain significance for Hereditary cancer-predisposing syndrome. Last evaluated: 2025-10-22. Review status: criteria provided, single submitter. Criteria: Ambry Variant Classification Scheme 2023. Collection method: clinical testing. Allele origin: germline.
Comment: The p.A182T variant (also known as c.544G>A), located in coding exon 3 of the MSH6 gene, results from a G to A substitution at nucleotide position 544. The alanine at codon 182 is replaced by threonine, an amino acid with similar properties. This amino acid position is conserved. In addition, the in silico prediction for this alteration is inconclusive. Based on the available evidence, the clinical significance of this variant remains unclear.

Labcorp Genetics (formerly Invitae), Labcorp
Classification: Uncertain significance for Hereditary nonpolyposis colorectal neoplasms. Last evaluated: 2025-08-24. Review status: criteria provided, single submitter. Criteria: Invitae Variant Classification Sherloc (09022015). Collection method: clinical testing. Allele origin: germline.
Comment: This sequence change replaces alanine, which is neutral and non-polar, with threonine, which is neutral and polar, at codon 182 of the MSH6 protein (p.Ala182Thr). This variant is not present in population databases (gnomAD no frequency). This variant has not been reported in the literature in individuals affected with MSH6-related conditions. ClinVar contains an entry for this variant (Variation ID: 934876). Invitae Evidence Modeling of protein sequence and biophysical properties (such as structural, functional, and spatial information, amino acid conservation, physicochemical variation, residue mobility, and thermodynamic stability) indicates that this missense variant is not expected to disrupt MSH6 protein function with a negative predictive value of 95%. In summary, the available evidence is currently insufficient to determine the role of this variant in disease. Therefore, it has been classified as a Variant of Uncertain Significance.